The following is an entry in ClinVar:

ClinVar aggregate classification (germline): Likely benign. Review status: criteria provided, multiple submitters, no conflicts (2 of 4 stars). 2 submissions from 2 submitters: Likely benign (2). Last evaluated 2025-10-02.

Allele frequency attached by ClinVar (database versions not stated): gnomAD 0.00001; TOPMed 0.00001; ExAC 0.00002; ESP Exome Variant Server 0.00008.
gnomAD v4.1: 42 of 1,614,094 alleles (0.0026%); highest among the groups gnomAD compares: Non-Finnish European, 0.0031%; no homozygotes.

Submissions (2):

Labcorp Genetics (formerly Invitae), Labcorp
Classification: Likely benign. Last evaluated: 2025-10-02. Review status: criteria provided, single submitter. Criteria: Invitae Variant Classification Sherloc (09022015). Collection method: clinical testing. Allele origin: germline.

CeGaT Center for Human Genetics Tuebingen
Classification: Likely benign. Last evaluated: 2023-01-01. Review status: criteria provided, single submitter. Criteria: CeGaT Center For Human Genetics Tuebingen Variant Classification Criteria Version 2. Collection method: clinical testing. Allele origin: germline. Affected: yes. Observed: 1 variant allele.
Comment: RERE: BP4, BP7

NM_001042681.2(RERE):c.1434G>A (p.Pro478=)

Gene: RERE (arginine-glutamic acid dipeptide repeats; minus strand). Cytogenetic location: 1p36.23.
Variant type: single nucleotide variant.
Coding change: c.1434G>A on transcript NM_001042681.2 (MANE Select); coding-DNA position 1434, G replaced by A.
Protein change: p.Pro478=; no amino-acid change (proline 478 retained).
Molecular consequence: synonymous variant. On other transcripts: 5 prime UTR variant (1).
Genome position (GRCh38, 1-based): chr1:8,365,825, C>T on the plus strand (G>A on the coding strand, the complement: RERE is on the minus strand). VCF-style: chr1-8365825-C-T. GRCh37 (hg19) VCF-style: chr1-8425885-C-T.
Other names: c.-229G>A (NM_001042682.2); c.1434G>A, p.Pro478= (NM_012102.4).
Identifiers: ClinVar variation 2638180 (VCV002638180.27), dbSNP rs139440766, ClinGen allele CA571721.
Genomic context (GRCh38, chr1:8,365,825, plus strand): 5'-TGAACAGTCTCCCCTCCGCCCACTGTGATGCCAAGACCCCTACTCACAGAATTCACTGGA[C>T]GGGGGTCTGGAGGGTGTGTTGACGGGTGTGGACGCGGTGCGAGTCTTAATCCTCCTGAAC-3'
Protein context (NP_001036146.1, residues 468-488): STPVNTPSRP[Pro478=]SSEFLDLSSA